The following is an entry in ClinVar:

ClinVar aggregate classification (germline): Uncertain significance. Review status: criteria provided, multiple submitters, no conflicts (2 of 4 stars). 2 submissions from 2 submitters: Uncertain significance (2). Last evaluated 2025-08-25.

Allele frequency attached by ClinVar (database versions not stated): ExAC 0.00001.

Submissions (2):

Ambry Genetics
Classification: Uncertain significance. Last evaluated: 2025-08-25. Review status: criteria provided, single submitter. Criteria: Ambry Variant Classification Scheme 2023. Collection method: clinical testing. Allele origin: germline.

Labcorp Genetics (formerly Invitae), Labcorp
Classification: Uncertain significance. Last evaluated: 2024-10-15. Review status: criteria provided, single submitter. Criteria: Invitae Variant Classification Sherloc (09022015). Collection method: clinical testing. Allele origin: germline.
Comment: This sequence change replaces proline, which is neutral and non-polar, with leucine, which is neutral and non-polar, at codon 628 of the SAMD11 protein (p.Pro628Leu). This variant is present in population databases (rs758000568, gnomAD 0.01%). This variant has not been reported in the literature in individuals affected with SAMD11-related conditions. ClinVar contains an entry for this variant (Variation ID: 1912538). An algorithm developed to predict the effect of missense changes on protein structure and function (PolyPhen-2) suggests that this variant is likely to be disruptive. In summary, the available evidence is currently insufficient to determine the role of this variant in disease. Therefore, it has been classified as a Variant of Uncertain Significance.

NM_001385641.1(SAMD11):c.2372C>T (p.Pro791Leu)

Gene: SAMD11 (sterile alpha motif domain containing 11; plus strand). Cytogenetic location: 1p36.33.
Variant type: single nucleotide variant.
Coding change: c.2372C>T on transcript NM_001385641.1 (MANE Select); coding-DNA position 2372, C replaced by T.
Protein change: p.Pro791Leu; replaces proline 791 with leucine.
Molecular consequence: missense variant.
Genome position (GRCh38, 1-based): chr1:943,990, C>T. VCF-style: chr1-943990-C-T. GRCh37 (hg19) VCF-style: chr1-879370-C-T.
Other names: c.2375C>T, p.Pro792Leu (NM_001385640.1); c.1883C>T, p.Pro628Leu (NM_152486.4); c.1883C>T (NM_152486.2); short protein forms P628L, P791L, P792L.
Identifiers: ClinVar variation 1912538 (VCV001912538.4), dbSNP rs758000568, ClinGen allele CA503365.